The following is an entry in ClinVar:

ClinVar aggregate classification (germline): Pathogenic. Review status: criteria provided, multiple submitters, no conflicts (2 of 4 stars). 3 submissions from 3 submitters: Pathogenic (3). Last evaluated 2025-05-29.

Conditions:
Sandhoff disease. Also called: GM2-GANGLIOSIDOSIS, TYPE II; HEXOSAMINIDASES A AND B DEFICIENCY; Beta-hexosaminidase-beta-subunit deficiency; GM2 gangliosidosis, type 2; Total hexosaminidase deficiency; Sandhoff-Jatzkewitz-Pilz disease. Identifiers: Orphanet 796, MedGen C0036161, MONDO:0010006, OMIM 268800.

Submissions (3):

Natera, Inc.
Classification: Pathogenic for Sandhoff disease. Last evaluated: 2025-05-29. Review status: criteria provided, single submitter. Criteria: Natera Variant Classification Schema (03/2026). Collection method: clinical testing. Allele origin: germline.
Comment: The c.1431_1432del variant in HEXB is a frameshift variant predicted to shift the reading frame beginning at codon 478 and leads to a stop codon 19 codons downstream. This variant is expected to result in nonsense mediated decay, truncation, or a dysfunctional protein product. This variant is rare in the general population with a frequency below the threshold expected for the associated phenotype(s). This variant has been observed in one or more individuals affected with the associated recessive disease, as either homozygous or compound heterozygous with a second variant (PMID: 33176815, 31919734). Given the available evidence, this variant is classified as Pathogenic.

Labcorp Genetics (formerly Invitae), Labcorp
Classification: Pathogenic for Sandhoff disease. Last evaluated: 2022-10-13. Review status: criteria provided, single submitter. Criteria: Invitae Variant Classification Sherloc (09022015). Collection method: clinical testing. Allele origin: germline.
Comment: This sequence change creates a premature translational stop signal (p.Lys478Thrfs*19) in the HEXB gene. It is expected to result in an absent or disrupted protein product. Loss-of-function variants in HEXB are known to be pathogenic (PMID: 7550345, 18758829). For these reasons, this variant has been classified as Pathogenic. This premature translational stop signal has been observed in individual(s) with Sandhoff disease (PMID: 33176815). This variant is present in population databases (rs751488725, gnomAD 0.006%).

Juno Genomics, Hangzhou Juno Genomics, Inc
Classification: Pathogenic for Sandhoff disease. Review status: criteria provided, single submitter. Criteria: ACMG Guidelines, 2015. Collection method: clinical testing. Allele origin: germline.
Comment: Absent from controls (or at extremely low frequency if recessive) in Genome Aggregation Database.;Null variant in a gene where loss of function (LOF) is a known mechanism of disease.;For recessive disorders, detected in trans with a pathogenic variant.;Patient's phenotype or family history is highly specific for a disease with a single genetic etiology.

Literature cited by the submitters: PubMed 33176815 (cited by Natera, Inc. and Labcorp Genetics (formerly Invitae), Labcorp); PubMed 31919734 (cited by Natera, Inc.); PubMed 7550345 (cited by Labcorp Genetics (formerly Invitae), Labcorp); PubMed 18758829 (cited by Labcorp Genetics (formerly Invitae), Labcorp).

NM_000521.4(HEXB):c.1431_1432del (p.Lys478fs)

Gene: HEXB (hexosaminidase subunit beta; plus strand). Cytogenetic location: 5q13.3.
Variant type: Deletion.
Coding change: c.1431_1432del on transcript NM_000521.4 (MANE Select); coding-DNA positions 1431 to 1432, 2 bases deleted (GA; older notation c.1431_1432delGA).
Protein change: p.Lys478fs; shifts the reading frame from lysine 478.
Molecular consequence: frameshift variant.
Genome position (GRCh38, 1-based): chr5:74,720,441-74,720,442, GA deleted; deleting any 2 consecutive bases within chr5:74,720,440-74,720,442 gives the same sequence; the c. name uses the placement nearest the transcript's 3' end. VCF-style (leftmost placement, unchanged base first): chr5-74720439-CAG-C. GRCh37 (hg19) VCF-style: chr5-74016264-CAG-C.
Other names: c.1431_1432del (NM_000521.3); c.756_757del, p.Lys253fs (NM_001292004.2); short protein forms K478fs, K253fs.
Identifiers: ClinVar variation 1916265 (VCV001916265.8), dbSNP rs751488725, ClinGen allele CA3306153.
Genomic context (GRCh38, chr5:74,720,439, plus strand): 5'-TGTGTATAAGCTTTGAACTTCTGAACTTAATTCAATGATTTTAATTTAGGTACTCAGAAA[CAG>C]AAACAACTTTTCATTGGTGGAGAAGCTTGTCTATGGGGAGAATATGTGGATGCAACTAAC-3'